The following is an entry in ClinVar:

NM_001256071.3(RNF213):c.9844_9846del (p.Trp3282del)

Gene: RNF213 (ring finger protein 213; plus strand). Cytogenetic location: 17q25.3.
Variant type: Deletion.
Coding change: c.9844_9846del on transcript NM_001256071.3 (MANE Select); coding-DNA positions 9844 to 9846, 3 bases deleted (TGG; older notation c.9844_9846delTGG).
Protein change: p.Trp3282del; deletes tryptophan 3282.
Molecular consequence: inframe deletion.
Genome position (GRCh38, 1-based): chr17:80,348,179-80,348,181, TGG deleted; deleting any 3 consecutive bases within chr17:80,348,178-80,348,181 gives the same sequence; the c. name uses the placement nearest the transcript's 3' end. VCF-style (leftmost placement, unchanged base first): chr17-80348177-AGTG-A. GRCh37 (hg19) VCF-style: chr17-78321977-AGTG-A.
Other names: c.9991_9993del, p.Trp3331del (NM_001410195.1, NM_020914.5); short protein forms W3282del, W3331del.
Identifiers: ClinVar variation 2581002 (VCV002581002.1), dbSNP rs2511392181, ClinGen allele CA2580618209.

ClinVar aggregate classification (germline): Likely benign (1 of 4 stars; one submission).

Conditions:
Moyamoya disease 2 (MYMY2). Also called: MOYAMOYA DISEASE 2, SUSCEPTIBILITY TO. Identifiers: Orphanet 2573, MedGen C1846689, MONDO:0011784, OMIM 607151.

Submission:

Dr. med. U. Finckh, Human Genetics, Eurofins MVZ
Classification: Likely benign for Moyamoya disease 2. Last evaluated: 2021-05-29. Review status: criteria provided, single submitter. Criteria: ACMG Guidelines, 2015. Collection method: clinical testing. Allele origin: paternal. Affected: no. Observed: 2 heterozygotes. Clinical features observed: Progressive muscle weakness, migraine, tremor.
Comment: Variant not present in gnomAD. Inframe deletion of one weakly conserved amino acid. On internal investigation, the variant did not segregate with symptoms in one family.